The following is an entry in ClinVar:

NM_000321.3(RB1):c.2035ATC[1] (p.Ile680del)

Gene: RB1 (RB transcriptional corepressor 1; plus strand). Cytogenetic location: 13q14.2.
Variant type: Microsatellite.
Coding change: c.2035ATC[1] on transcript NM_000321.3 (MANE Select); one copy of the 3-base unit ATC starting at c.2035; the reference has two copies in a row; one copy, 3 bases deleted.
Protein change: p.Ile680del; deletes isoleucine 680.
Molecular consequence: inframe indel (on NM_000321.2).
Genome position (GRCh38, 1-based): chr13:48,459,765-48,459,767, ATC deleted; deleting any 3 consecutive bases within chr13:48,459,762-48,459,767 gives the same sequence; the position shown is the placement nearest the transcript's 3' end. VCF-style (leftmost placement, unchanged base first): chr13-48459761-TATC-T. GRCh37 (hg19) VCF-style: chr13-49033897-TATC-T.
Other names: c.2035_2037ATC[1], p.Ile680del (NM_000321.2); c.2035ATC[1], p.Ile680del (NM_001407165.1); c.2038_2040delATC (NM_000321.2); short protein forms I680del.
Identifiers: ClinVar variation 4826598 (VCV004826598.1).

ClinVar aggregate classification (germline): Uncertain significance (1 of 4 stars; one submission).

Conditions:
Hereditary cancer-predisposing syndrome. Also called: Neoplastic Syndromes, Hereditary; Tumor predisposition; Hereditary Cancer Syndrome; Hereditary neoplastic syndrome. Identifiers: Orphanet 140162, MedGen C0027672, MeSH D009386, MONDO:0015356.

Submission:

Ambry Genetics
Classification: Uncertain significance for Hereditary cancer-predisposing syndrome. Last evaluated: 2026-03-10. Review status: criteria provided, single submitter. Criteria: Ambry Variant Classification Scheme 2023. Collection method: clinical testing. Allele origin: germline.
Comment: The c.2038_2040delATC variant (also known as p.I680del) is located in coding exon 20 of the RB1 gene. This variant results from an in-frame ATC deletion at nucleotide positions 2038 to 2040. This results in the in-frame deletion of an isoleucine at codon 680. This amino acid position is highly conserved in available vertebrate species. In addition, the in silico prediction for this variant is inconclusive (Choi Y et al. PLoS ONE. 2012; 7(10):e46688). Based on the available evidence, the clinical significance of this variant remains unclear.